The following is an entry in ClinVar:

ClinVar aggregate classification (germline): Pathogenic. Review status: criteria provided, multiple submitters, no conflicts (2 of 4 stars). 2 submissions from 2 submitters: Pathogenic (2). Last evaluated 2023-06-07.

Conditions:
Hereditary cancer-predisposing syndrome. Also called: Tumor predisposition; Hereditary Cancer Syndrome; Neoplastic Syndromes, Hereditary; Hereditary neoplastic syndrome. Identifiers: Orphanet 140162, MedGen C0027672, MeSH D009386, MONDO:0015356.
Familial cancer of breast. Also called: Hereditary breast cancer; BREAST CANCER, FAMILIAL; hereditary breast carcinoma. Identifiers: Orphanet 227535, MedGen C0346153, MONDO:0016419, OMIM 114480. Disease mechanism: loss of function.

Submissions (2):

Myriad Genetics, Inc.
Classification: Pathogenic for Familial cancer of breast. Last evaluated: 2023-06-07. Review status: criteria provided, single submitter. Criteria: Myriad Autosomal Dominant, Autosomal Recessive and X-Linked Classification Criteria (2023). Collection method: clinical testing. Allele origin: unknown.
Comment: This variant is considered pathogenic. This variant creates a frameshift predicted to result in premature protein truncation.

Ambry Genetics
Classification: Pathogenic for Hereditary cancer-predisposing syndrome. Last evaluated: 2021-12-22. Review status: criteria provided, single submitter. Criteria: Ambry Variant Classification Scheme 2023. Collection method: clinical testing. Allele origin: germline.
Comment: The c.2755delTinsCC variant, located in coding exon 18 of the BRIP1 gene, results from the deletion of one nucleotide and insertion of two nucleotides causing a translational frameshift with a predicted alternate stop codon (p.S919Pfs*20). This variant is considered to be rare based on population cohorts in the Genome Aggregation Database (gnomAD). This alteration is expected to result in loss of function by premature protein truncation or nonsense-mediated mRNA decay. As such, this alteration is interpreted as a disease-causing mutation.

NM_032043.3(BRIP1):c.2755delinsCC (p.Ser919fs)

Gene: BRIP1 (BRCA1 interacting DNA helicase 1; minus strand). Cytogenetic location: 17q23.2.
Variant type: Indel.
Coding change: c.2755delinsCC on transcript NM_032043.3 (MANE Select); coding-DNA position 2755, T replaced by CC.
Protein change: p.Ser919fs; shifts the reading frame from serine 919.
Molecular consequence: frameshift variant.
Genome position (GRCh38, 1-based): chr17:61,685,986, A replaced by GG on the plus strand (T replaced by CC on the coding strand, the reverse complement: BRIP1 is on the minus strand). VCF-style: chr17-61685986-A-GG. GRCh37 (hg19) VCF-style: chr17-59763347-A-GG.
Other names: short protein forms S919fs.
Identifiers: ClinVar variation 1795606 (VCV001795606.4), dbSNP rs2475008191, ClinGen allele CA2580094450.
Genomic context (GRCh38, chr17:61,685,986, plus strand): 5'-CTTCATCTTCCACAAAATTTTCTGGTGATAGATGACTTGCTGCTTCCAGTAAATAAGGTG[A>GG]GGTACTGTACTTTAAAGAGGTCACTTCAAGTGTAGACTCATTGTCCTGTATATTGGTTCT-3'